The following is an entry in ClinVar:

ClinVar aggregate classification (germline): Benign. Review status: criteria provided, multiple submitters, no conflicts (2 of 4 stars). 5 submissions from 5 submitters: Benign (4). 1 of the submissions does not count toward it. Last evaluated 2026-02-01.

Conditions:
NUP85-related disorder. Also called: NUP85-related condition.

Allele frequency attached by ClinVar (database versions not stated): 1000 Genomes Project 30x 0.05091; 1000 Genomes Project 0.05112; TOPMed 0.06275; gnomAD 0.06538 and 0.06575; ESP Exome Variant Server 0.07151; gnomAD exomes 0.07837 and 0.08628; ExAC 0.07970.
gnomAD v4.1: 133,651 of 1,587,594 alleles (8.4%); highest among the groups gnomAD compares: Middle Eastern, 10%; 6,203 homozygotes.

Submissions (5):

Labcorp Genetics (formerly Invitae), Labcorp
Classification: Benign. Last evaluated: 2026-02-01. Review status: criteria provided, single submitter. Criteria: Invitae Variant Classification Sherloc (09022015). Collection method: clinical testing. Allele origin: germline.

Blueprint Genetics
Classification: Benign. Last evaluated: 2024-11-28. Review status: criteria provided, single submitter. Criteria: ACMG Guidelines, 2015. Collection method: clinical testing. Allele origin: germline.

Mayo Clinic Laboratories, Mayo Clinic
Classification: Benign. Last evaluated: 2022-03-09. Review status: criteria provided, single submitter. Criteria: ACMG Guidelines, 2015. Collection method: clinical testing. Allele origin: germline. Observed: 18 variant alleles.

Breakthrough Genomics
Classification: Benign. Review status: criteria provided, single submitter. Criteria: ACMG Guidelines, 2015. Collection method: not provided. Allele origin: germline. Inheritance: Autosomal recessive inheritance. Affected: yes.

PreventionGenetics, part of Exact Sciences
Classification: Benign for NUP85-related condition. Last evaluated: 2020-03-05. Review status: no assertion criteria provided. Collection method: clinical testing. Allele origin: germline. Not counted in ClinVar's aggregate classification.
Comment: This variant is classified as benign based on ACMG/AMP sequence variant interpretation guidelines (Richards et al. 2015 PMID: 25741868, with internal and published modifications).

NM_024844.5(NUP85):c.186T>C (p.Asp62=)

Gene: NUP85 (nucleoporin 85; plus strand). Cytogenetic location: 17q25.1.
Variant type: single nucleotide variant.
Coding change: c.186T>C on transcript NM_024844.5 (MANE Select); coding-DNA position 186, T replaced by C.
Protein change: p.Asp62=; no amino-acid change (aspartic acid 62 retained).
Molecular consequence: synonymous variant.
Genome position (GRCh38, 1-based): chr17:75,209,881, T>C. VCF-style: chr17-75209881-T-C. GRCh37 (hg19) VCF-style: chr17-73205976-T-C.
Other names: p.Asp62=; c.48T>C, p.Asp16= (NM_001303276.2); c.186T>C, p.Asp62= (NM_001330472.2); c.186T>C (NM_024844.4).
Identifiers: ClinVar variation 1600649 (VCV001600649.13), dbSNP rs34126097, ClinGen allele CA8758343.
Genomic context (GRCh38, chr17:75,209,881, plus strand): 5'-AGAAAAATCAGAGATGGTGCCAAGTTGCCCCTTTATCTATATCATCCGTAAGGATGTAGA[T>C]GTTTACTCTCAAATCTTGAGAAAACTCTTCAATGAATCCCATGGAATCTTTCTGGGCCTC-3'
Protein context (NP_079120.1, residues 52-72): PFIYIIRKDV[Asp62=]VYSQILRKLF